The following is an entry in ClinVar:

NM_000219.6(KCNE1):c.244A>G (p.Ile82Val)

Gene: KCNE1 (potassium voltage-gated channel subfamily E regulatory subunit 1; minus strand). Cytogenetic location: 21q22.12.
Variant type: single nucleotide variant.
Coding change: c.244A>G on transcript NM_000219.6 (MANE Select); coding-DNA position 244, A replaced by G.
Protein change: p.Ile82Val; replaces isoleucine 82 with valine.
Molecular consequence: missense variant.
Genome position (GRCh38, 1-based): chr21:34,449,391, T>C on the plus strand (A>G on the coding strand, the complement: KCNE1 is on the minus strand). VCF-style: chr21-34449391-T-C. GRCh37 (hg19) VCF-style: chr21-35821689-T-C.
Other names: c.244A>G, p.Ile82Val (NM_001127668.4, NM_001127669.4, NM_001127670.4 and 4 more transcripts); short protein forms I82V.
Identifiers: ClinVar variation 1791451 (VCV001791451.6), dbSNP rs2123457694, ClinGen allele CA410198194.

ClinVar aggregate classification (germline): Uncertain significance. Review status: criteria provided, multiple submitters, no conflicts (2 of 4 stars). 2 submissions from 2 submitters: Uncertain significance (2). Last evaluated 2023-01-19.

Conditions:
Long QT syndrome (LQTS). Identifiers: MedGen C0023976, MeSH D008133, MONDO:0002442. Disease mechanism: loss of function. Inheritance: Various modes of inheritance.
Cardiovascular phenotype. Identifiers: MedGen CN230736.

Submissions (3):

Labcorp Genetics (formerly Invitae), Labcorp
Classification: Uncertain significance for Long QT syndrome. Last evaluated: 2023-01-19. Review status: criteria provided, single submitter. Criteria: Invitae Variant Classification Sherloc (09022015). Collection method: clinical testing. Allele origin: germline.
Comment: ClinVar contains an entry for this variant (Variation ID: 1791451). This missense change has been observed in individual(s) with clinical features of KCNE1-related conditions (PMID: 31941373). This variant is not present in population databases (gnomAD no frequency). This sequence change replaces isoleucine, which is neutral and non-polar, with valine, which is neutral and non-polar, at codon 82 of the KCNE1 protein (p.Ile82Val). Algorithms developed to predict the effect of missense changes on protein structure and function (SIFT, PolyPhen-2, Align-GVGD) all suggest that this variant is likely to be disruptive. In summary, the available evidence is currently insufficient to determine the role of this variant in disease. Therefore, it has been classified as a Variant of Uncertain Significance.

Ambry Genetics
Classification: Uncertain significance for Cardiovascular phenotype. Last evaluated: 2020-07-22. Review status: criteria provided, single submitter. Criteria: Ambry Variant Classification Scheme 2023. Collection method: clinical testing. Allele origin: germline.
Comment: The p.I82V variant (also known as c.244A>G), located in coding exon 1 of the KCNE1 gene, results from an A to G substitution at nucleotide position 244. The isoleucine at codon 82 is replaced by valine, an amino acid with highly similar properties. This variant has been detected in a long QT syndrome cohort; however, details were limited (Roberts JD et al. Circulation, 2020 Feb;141:429-439). A different variant affecting this codon (p.I82F, c.244A>T) has been reported in association with long QT syndrome (Chae H et al. Clin. Chim. Acta, 2017 Jan;464:128-135). This amino acid position is highly conserved in available vertebrate species. In addition, the in silico prediction for this alteration is inconclusive. Since supporting evidence is limited at this time, the clinical significance of this alteration remains unclear.

Roden Lab, Vanderbilt University Medical Center
No classification provided (evidence only). Condition: Long QT syndrome 5. Review status: no classification provided. Collection method: in vitro. Allele origin: not applicable. Functional consequence: Effect on ion channel function. Not counted in ClinVar's aggregate classification.
ClinVar note: "not provided" was previously submitted as the classification for the variant. However, the classification appeared to be based only on an observation of functional data so it was converted to no classification on 2025-07-30.

Literature cited by the submitters: PubMed 31941373 (cited by Labcorp Genetics (formerly Invitae), Labcorp and Ambry Genetics); PubMed 27871843 (cited by Ambry Genetics).